The following is an entry in ClinVar:

NM_001283009.2(RTEL1):c.3311C>T (p.Thr1104Ile)

Genes: RTEL1 (regulator of telomere elongation helicase 1; plus strand), RTEL1-TNFRSF6B (RTEL1-TNFRSF6B readthrough (NMD candidate); plus strand). Cytogenetic location: 20q13.33.
Variant type: single nucleotide variant.
Coding change: c.3311C>T on transcript NM_001283009.2 (MANE Select); coding-DNA position 3311, C replaced by T.
Protein change: p.Thr1104Ile; replaces threonine 1104 with isoleucine.
Molecular consequence: missense variant. On other transcripts: non-coding transcript variant (1).
Genome position (GRCh38, 1-based): chr20:63,694,942, C>T. VCF-style: chr20-63694942-C-T. GRCh37 (hg19) VCF-style: chr20-62326295-C-T.
Other names: p.Thr1104Ile; c.2642C>T, p.Thr881Ile (NM_001283010.1); c.3311C>T, p.Thr1104Ile (NM_016434.4); c.3383C>T, p.Thr1128Ile (NM_032957.5); short protein forms T1128I, T1104I, T881I.
Identifiers: ClinVar variation 581284 (VCV000581284.22), dbSNP rs190297758, ClinGen allele CA9965950.
Genomic context (GRCh38, chr20:63,694,942, plus strand): 5'-CAGCCTATAAGCAAGACGACGACCTCGACAAGGTGCTGGCTGTGTTGGCCGCCCTGACCA[C>T]TGCAAAGCCAGAGGACTTCCCCCTGCTGCACAGCAAGTGGCCCTGGCGTGGGGAACAGCC-3'
Protein context (NP_001269938.1, residues 1094-1114): KVLAVLAALT[Thr1104Ile]AKPEDFPLLH

ClinVar aggregate classification (germline): Uncertain significance. Review status: criteria provided, multiple submitters, no conflicts (2 of 4 stars). 9 submissions from 9 submitters: Uncertain significance (8). 1 of the submissions does not count toward it. Last evaluated 2026-01-04.

Conditions:
Dyskeratosis congenita, autosomal recessive 5 (DKCB5). Identifiers: MedGen C3554656, MONDO:0014076, OMIM 615190.
Pulmonary fibrosis and/or bone marrow failure, Telomere-related, 3. Also called: PULMONARY FIBROSIS AND/OR BONE MARROW FAILURE SYNDROME, TELOMERE-RELATED, 3. Identifiers: Orphanet 2032, MedGen C4225346, MONDO:0014613, OMIM 616373.
Inborn genetic diseases. Identifiers: MedGen C0950123, MeSH D030342.
Dyskeratosis congenita. Identifiers: Orphanet 1775, MedGen C0265965, MONDO:0015780.

Allele frequency attached by ClinVar (database versions not stated): ExAC 0.00007; gnomAD exomes 0.00007; ESP Exome Variant Server 0.00015; 1000 Genomes Project 30x 0.00031; gnomAD 0.00035 and 0.00040; TOPMed 0.00035; 1000 Genomes Project 0.00040.
gnomAD v4.1: 97 of 1,612,608 alleles (0.006%); highest among the groups gnomAD compares: African/African-American, 0.11%; no homozygotes.

Submissions (9):

Labcorp Genetics (formerly Invitae), Labcorp
Classification: Uncertain significance for Dyskeratosis congenita, autosomal recessive 5; Pulmonary fibrosis and/or bone marrow failure, Telomere-related, 3. Last evaluated: 2026-01-04. Review status: criteria provided, single submitter. Criteria: Invitae Variant Classification Sherloc (09022015). Collection method: clinical testing. Allele origin: germline.
Comment: This sequence change replaces threonine, which is neutral and polar, with isoleucine, which is neutral and non-polar, at codon 1104 of the RTEL1 protein (p.Thr1104Ile). This variant is present in population databases (rs190297758, gnomAD 0.1%). This variant has not been reported in the literature in individuals affected with RTEL1-related conditions. ClinVar contains an entry for this variant (Variation ID: 581284). An algorithm developed to predict the effect of missense changes on protein structure and function (PolyPhen-2) suggests that this variant is likely to be disruptive. In summary, the available evidence is currently insufficient to determine the role of this variant in disease. Therefore, it has been classified as a Variant of Uncertain Significance.

Mayo Clinic Laboratories, Mayo Clinic
Classification: Uncertain significance. Last evaluated: 2025-10-30. Review status: criteria provided, single submitter. Criteria: ACMG Guidelines, 2015. Collection method: clinical testing. Allele origin: germline. Observed: 2 variant alleles.

GeneDx
Classification: Uncertain significance. Last evaluated: 2025-10-21. Review status: criteria provided, single submitter. Criteria: GeneDx Variant Classification Process June 2021. Collection method: clinical testing. Allele origin: germline. Affected: yes.
Comment: In silico analysis supports that this missense variant has a deleterious effect on protein structure/function; Has not been previously published as pathogenic or benign to our knowledge; This variant is associated with the following publications: (PMID: 29344583)

Johns Hopkins Genomics, Johns Hopkins University
Classification: Uncertain significance for Pulmonary fibrosis and/or bone marrow failure, Telomere-related, 3. Last evaluated: 2023-05-09. Review status: criteria provided, single submitter. Criteria: ACMG Guidelines, 2015. Collection method: clinical testing. Allele origin: germline.
Comment: This RTEL1 missense variant (rs190297758) is present (<0.1%) in a large population dataset (gnomAD v3.1.2: 55/152232 total alleles; 0.04%; no homozygotes). It has been reported in ClinVar (Variation ID 581284), but has not been reported in the literature, to our knowledge. Two bioinformatic tools queried predict that this substitution would be deleterious, and the threonine residue at this position is evolutionarily conserved across most of the species assessed. We consider the clinical significance of c.3311C>T; p.Thr1104Ile in RTEL1 to be uncertain at this time.

Ambry Genetics
Classification: Uncertain significance for Inborn genetic diseases. Last evaluated: 2022-09-10. Review status: criteria provided, single submitter. Criteria: Ambry Variant Classification Scheme 2023. Collection method: clinical testing. Allele origin: germline.
Comment: The p.T1128I variant (also known as c.3383C>T), located in coding exon 31 of the RTEL1 gene, results from a C to T substitution at nucleotide position 3383. The threonine at codon 1128 is replaced by isoleucine, an amino acid with similar properties. This amino acid position is conserved. In addition, the in silico prediction for this alteration is inconclusive. Since supporting evidence is limited at this time, the clinical significance of this alteration remains unclear.

Sema4
Classification: Uncertain significance for Dyskeratosis congenita. Last evaluated: 2021-05-12. Review status: criteria provided, single submitter. Criteria: Sema4 Curation Guidelines. Collection method: curation. Allele origin: germline.
Comment: The RTEL1 c.3311C>T (p.T1104I) variant has not been reported in the literature to our knowledge. This variant was observed in 22/24570 chromosomes in the African/African American population, according to the Genome Aggregation Database (PMID: 32461654) and has been reported in ClinVar (Variation ID 581284). Computational analyses and evolutionary conservation data do not provide strong support for or against an impact to the protein, however these predictions have not been confirmed by published functional studies. The evidence is insufficient to meet ACMG/AMP criteria for classifying the variant as benign or pathogenic. Thus, the clinical significance of this variant is currently uncertain.

Blueprint Genetics
Classification: Uncertain significance. Last evaluated: 2020-04-14. Review status: criteria provided, single submitter. Criteria: ACMG Guidelines, 2015. Collection method: clinical testing. Allele origin: germline.

Baylor Genetics
Classification: Uncertain significance for Dyskeratosis congenita, autosomal recessive 5. Last evaluated: 2018-01-29. Review status: criteria provided, single submitter. Criteria: ACMG Guidelines, 2015. Collection method: clinical testing. Allele origin: unknown. Affected: yes.
Comment: This variant was determined to be of uncertain significance according to ACMG Guidelines, 2015 [PMID:25741868].

Natera, Inc.
Classification: Uncertain significance for Dyskeratosis congenita. Last evaluated: 2020-09-16. Review status: no assertion criteria provided. Collection method: clinical testing. Allele origin: germline. Not counted in ClinVar's aggregate classification.

Literature cited by the submitters: PubMed 29344583 (cited by Johns Hopkins Genomics, Johns Hopkins University).